The following is an entry in ClinVar:

NM_018124.4(RFWD3):c.2059G>A (p.Val687Ile)

Gene: RFWD3 (ring finger and WD repeat domain 3; minus strand). Cytogenetic location: 16q23.1.
Variant type: single nucleotide variant.
Coding change: c.2059G>A on transcript NM_018124.4 (MANE Select); coding-DNA position 2059, G replaced by A.
Protein change: p.Val687Ile; replaces valine 687 with isoleucine.
Molecular consequence: missense variant.
Genome position (GRCh38, 1-based): chr16:74,626,465, C>T on the plus strand (G>A on the coding strand, the complement: RFWD3 is on the minus strand). VCF-style: chr16-74626465-C-T. GRCh37 (hg19) VCF-style: chr16-74660363-C-T.
Other names: c.2059G>A, p.Val687Ile (NM_001370534.1, NM_001370535.1); c.1882G>A, p.Val628Ile (NM_001370536.1); c.1225G>A, p.Val409Ile (NM_001370537.1, NM_001370539.1, NM_001370540.1 and 3 more transcripts); short protein forms V409I, V628I, V687I.
Identifiers: ClinVar variation 2190915 (VCV002190915.4), dbSNP rs776553550, ClinGen allele CA8169002.

ClinVar aggregate classification (germline): Uncertain significance (1 of 4 stars; one submission).

Allele frequency attached by ClinVar (database versions not stated): ExAC 0.00001; gnomAD 0.00002.
gnomAD v4.1: 9 of 1,614,010 alleles (0.00056%); highest among the groups gnomAD compares: African/African-American, 0.0027%; no homozygotes.

Submission:

Labcorp Genetics (formerly Invitae), Labcorp
Classification: Uncertain significance. Last evaluated: 2022-09-23. Review status: criteria provided, single submitter. Criteria: Invitae Variant Classification Sherloc (09022015). Collection method: clinical testing. Allele origin: germline.
Comment: This variant is present in population databases (rs776553550, gnomAD 0.0009%). This sequence change replaces valine, which is neutral and non-polar, with isoleucine, which is neutral and non-polar, at codon 687 of the RFWD3 protein (p.Val687Ile). This variant has not been reported in the literature in individuals affected with RFWD3-related conditions. Algorithms developed to predict the effect of missense changes on protein structure and function output the following: SIFT: "Deleterious"; PolyPhen-2: "Benign"; Align-GVGD: "Class C0". The isoleucine amino acid residue is found in multiple mammalian species, which suggests that this missense change does not adversely affect protein function. In summary, the available evidence is currently insufficient to determine the role of this variant in disease. Therefore, it has been classified as a Variant of Uncertain Significance.